The following is an entry in ClinVar:

ClinVar aggregate classification (germline): Uncertain significance (1 of 4 stars; one submission).

Allele frequency attached by ClinVar (database versions not stated): gnomAD exomes below 0.00001.

Submission:

Labcorp Genetics (formerly Invitae), Labcorp
Classification: Uncertain significance. Last evaluated: 2022-11-01. Review status: criteria provided, single submitter. Criteria: Invitae Variant Classification Sherloc (09022015). Collection method: clinical testing. Allele origin: germline.
Comment: This sequence change replaces proline, which is neutral and non-polar, with leucine, which is neutral and non-polar, at codon 387 of the MCM3AP protein (p.Pro387Leu). This variant is not present in population databases (gnomAD no frequency). In summary, the available evidence is currently insufficient to determine the role of this variant in disease. Therefore, it has been classified as a Variant of Uncertain Significance. Algorithms developed to predict the effect of missense changes on protein structure and function output the following: SIFT: "Tolerated"; PolyPhen-2: "Benign"; Align-GVGD: "Class C0". The leucine amino acid residue is found in multiple mammalian species, which suggests that this missense change does not adversely affect protein function. This variant has not been reported in the literature in individuals affected with MCM3AP-related conditions.

NM_003906.5(MCM3AP):c.1160C>T (p.Pro387Leu)

Gene: MCM3AP (minichromosome maintenance complex component 3 associated protein; minus strand). Cytogenetic location: 21q22.3.
Variant type: single nucleotide variant.
Coding change: c.1160C>T on transcript NM_003906.5 (MANE Select); coding-DNA position 1160, C replaced by T.
Protein change: p.Pro387Leu; replaces proline 387 with leucine.
Molecular consequence: missense variant.
Genome position (GRCh38, 1-based): chr21:46,284,127, G>A on the plus strand (C>T on the coding strand, the complement: MCM3AP is on the minus strand). VCF-style: chr21-46284127-G-A. GRCh37 (hg19) VCF-style: chr21-47704041-G-A.
Other names: short protein forms P387L.
Identifiers: ClinVar variation 2129411 (VCV002129411.4), dbSNP rs2081368712, ClinGen allele CA410532788.